The following is an entry in ClinVar:

NM_001943.5(DSG2):c.87A>T (p.Leu29Phe)

Gene: DSG2 (desmoglein 2; plus strand). Cytogenetic location: 18q12.1.
Variant type: single nucleotide variant.
Coding change: c.87A>T on transcript NM_001943.5 (MANE Select); coding-DNA position 87, A replaced by T.
Protein change: p.Leu29Phe; replaces leucine 29 with phenylalanine.
Molecular consequence: missense variant.
Genome position (GRCh38, 1-based): chr18:31,519,808, A>T. VCF-style: chr18-31519808-A-T. GRCh37 (hg19) VCF-style: chr18-29099771-A-T.
Other names: short protein forms L29F.
Identifiers: ClinVar variation 1906405 (VCV001906405.5), dbSNP rs2510910280, ClinGen allele CA402130515.

ClinVar aggregate classification (germline): Uncertain significance (1 of 4 stars; one submission).

Conditions:
Arrhythmogenic right ventricular dysplasia 10. Also called: Arrhythmogenic Right Ventricular Dysplasia/Cardiomyopathy10; ARRHYTHMOGENIC RIGHT VENTRICULAR DYSPLASIA, FAMILIAL, 10; Arrhythmogenic right ventricular dysplasia/cardiomyopathy, type 10. Identifiers: MedGen C1857777, MONDO:0012434, OMIM 610193.

Submission:

Labcorp Genetics (formerly Invitae), Labcorp
Classification: Uncertain significance for Arrhythmogenic right ventricular dysplasia 10. Last evaluated: 2022-09-22. Review status: criteria provided, single submitter. Criteria: Invitae Variant Classification Sherloc (09022015). Collection method: clinical testing. Allele origin: germline.
Comment: In summary, the available evidence is currently insufficient to determine the role of this variant in disease. Therefore, it has been classified as a Variant of Uncertain Significance. Advanced modeling of protein sequence and biophysical properties (such as structural, functional, and spatial information, amino acid conservation, physicochemical variation, residue mobility, and thermodynamic stability) performed at Invitae indicates that this missense variant is not expected to disrupt DSG2 protein function. This variant has not been reported in the literature in individuals affected with DSG2-related conditions. This variant is not present in population databases (gnomAD no frequency). This sequence change replaces leucine, which is neutral and non-polar, with phenylalanine, which is neutral and non-polar, at codon 29 of the DSG2 protein (p.Leu29Phe).